The following is an entry in ClinVar:

ClinVar aggregate classification (germline): Uncertain significance. Review status: criteria provided, multiple submitters, no conflicts (2 of 4 stars). 3 submissions from 3 submitters: Uncertain significance (3). Last evaluated 2026-05-14.

Conditions:
Hypertrophic cardiomyopathy. Also called: HYPERTROPHIC MYOCARDIOPATHY. Identifiers: Orphanet 217569, MedGen C0007194, MeSH D002312, MONDO:0005045, HP:0001639.
Cardiovascular phenotype. Identifiers: MedGen CN230736.

gnomAD v4.1: 12 of 1,407,028 alleles (0.00085%); highest among the groups gnomAD compares: African/African-American, 0.0061%; no homozygotes.

Submissions (3):

Ambry Genetics
Classification: Uncertain significance for Cardiovascular phenotype. Last evaluated: 2026-05-14. Review status: criteria provided, single submitter. Criteria: Ambry Variant Classification Scheme 2023. Collection method: clinical testing. Allele origin: germline.
Comment: The p.P196S variant (also known as c.586C>T), located in coding exon 2 of the JPH2 gene, results from a C to T substitution at nucleotide position 586. The proline at codon 196 is replaced by serine, an amino acid with similar properties. This amino acid position is conserved. In addition, this alteration is predicted to be tolerated by in silico analysis. Based on the available evidence, the clinical significance of this variant remains unclear.

Labcorp Genetics (formerly Invitae), Labcorp
Classification: Uncertain significance for Hypertrophic cardiomyopathy. Last evaluated: 2025-06-18. Review status: criteria provided, single submitter. Criteria: Invitae Variant Classification Sherloc (09022015). Collection method: clinical testing. Allele origin: germline.
Comment: This sequence change replaces proline, which is neutral and non-polar, with serine, which is neutral and polar, at codon 196 of the JPH2 protein (p.Pro196Ser). The frequency data for this variant in the population databases is considered unreliable, as metrics indicate poor data quality at this position in the gnomAD database. This variant has not been reported in the literature in individuals affected with JPH2-related conditions. ClinVar contains an entry for this variant (Variation ID: 3531519). An algorithm developed to predict the effect of missense changes on protein structure and function outputs the following: PolyPhen-2: "Benign". The serine amino acid residue is found in multiple mammalian species, which suggests that this missense change does not adversely affect protein function. In summary, the available evidence is currently insufficient to determine the role of this variant in disease. Therefore, it has been classified as a Variant of Uncertain Significance.

Blueprint Genetics
Classification: Uncertain significance. Last evaluated: 2020-03-26. Review status: criteria provided, single submitter. Criteria: ACMG Guidelines, 2015. Collection method: clinical testing. Allele origin: germline.

NM_020433.5(JPH2):c.586C>T (p.Pro196Ser)

Gene: JPH2 (junctophilin 2; minus strand). Cytogenetic location: 20q13.12.
Variant type: single nucleotide variant.
Coding change: c.586C>T on transcript NM_020433.5 (MANE Select); coding-DNA position 586, C replaced by T.
Protein change: p.Pro196Ser; replaces proline 196 with serine.
Molecular consequence: missense variant.
Genome position (GRCh38, 1-based): chr20:44,160,201, G>A on the plus strand (C>T on the coding strand, the complement: JPH2 is on the minus strand). VCF-style: chr20-44160201-G-A. GRCh37 (hg19) VCF-style: chr20-42788841-G-A.
Other names: short protein forms P196S.
Identifiers: ClinVar variation 3531519 (VCV003531519.4).